The following is an entry in ClinVar:

ClinVar aggregate classification (germline): Pathogenic (1 of 4 stars; one submission).

Conditions:
Dilated cardiomyopathy 1HH (CMD1HH). Identifiers: Orphanet 154, MedGen C3151293, MONDO:0013479, OMIM 613881.
Myofibrillar myopathy 6. Identifiers: Orphanet 199340, MedGen C2751831, MONDO:0013061, OMIM 612954.

Submission:

Labcorp Genetics (formerly Invitae), Labcorp
Classification: Pathogenic for Dilated cardiomyopathy 1HH; Myofibrillar myopathy 6. Last evaluated: 2025-07-02. Review status: criteria provided, single submitter. Criteria: Invitae Variant Classification Sherloc (09022015). Collection method: clinical testing. Allele origin: germline.
Comment: This sequence change creates a premature translational stop signal (p.Ala164Serfs*6) in the BAG3 gene. It is expected to result in an absent or disrupted protein product. Loss-of-function variants in BAG3 are known to be pathogenic (PMID: 21353195, 25008357). This variant is not present in population databases (gnomAD no frequency). This variant has not been reported in the literature in individuals affected with BAG3-related conditions. For these reasons, this variant has been classified as Pathogenic.

Literature cited by the submitters: PubMed 21353195; PubMed 25008357.

NM_004281.4(BAG3):c.488dup (p.Ala164fs)

Gene: BAG3 (BAG cochaperone 3; plus strand). Cytogenetic location: 10q26.11.
Variant type: Duplication.
Coding change: c.488dup on transcript NM_004281.4 (MANE Select); coding-DNA position 488, one base duplicated (C; older notation c.488dupC).
Protein change: p.Ala164fs; shifts the reading frame from alanine 164.
Molecular consequence: frameshift variant.
Genome position (GRCh38, 1-based): chr10:119,670,158, C duplicated; the last of 5 consecutive C bases (chr10:119,670,154-119,670,158); duplicating any one gives the same sequence. VCF-style (leftmost placement, unchanged base first): chr10-119670153-G-GC. GRCh37 (hg19) VCF-style: chr10-121429665-G-GC.
Other names: short protein forms A164fs.
Identifiers: ClinVar variation 4784657 (VCV004784657.1).